The following is an entry in ClinVar:

NM_001039111.3(TRIM71):c.1988C>T (p.Ala663Val)

Gene: TRIM71 (tripartite motif containing 71; plus strand). Cytogenetic location: 3p22.3.
Variant type: single nucleotide variant.
Coding change: c.1988C>T on transcript NM_001039111.3 (MANE Select); coding-DNA position 1988, C replaced by T.
Protein change: p.Ala663Val; replaces alanine 663 with valine.
Molecular consequence: missense variant.
Genome position (GRCh38, 1-based): chr3:32,891,192, C>T. VCF-style: chr3-32891192-C-T. GRCh37 (hg19) VCF-style: chr3-32932684-C-T.
Other names: short protein forms A663V.
Identifiers: ClinVar variation 4599310 (VCV004599310.1).

ClinVar aggregate classification (germline): Uncertain significance (1 of 4 stars; one submission).

gnomAD v4.1: 8 of 1,613,534 alleles (0.0005%); highest among the groups gnomAD compares: African/African-American, 0.0067%; no homozygotes.

Submission:

Ambry Genetics
Classification: Uncertain significance. Last evaluated: 2025-09-25. Review status: criteria provided, single submitter. Criteria: Ambry Variant Classification Scheme 2023. Collection method: clinical testing. Allele origin: germline.
Comment: The c.1988C>T (p.A663V) alteration is located in exon 4 (coding exon 4) of the TRIM71 gene. This alteration results from a C to T substitution at nucleotide position 1988, causing the alanine (A) at amino acid position 663 to be replaced by a valine (V). Based on data from gnomAD, the T allele has an overall frequency of 0.003% (1/31400) total alleles studied. The highest observed frequency was 0.012% (1/8708) of African alleles. Based on insufficient or conflicting evidence, the clinical significance of this alteration remains unclear.